The following is an entry in ClinVar:

ClinVar aggregate classification (germline): Benign/Likely benign. Review status: criteria provided, multiple submitters, no conflicts (2 of 4 stars). 4 submissions from 4 submitters: Benign (1); Likely benign (2). 1 of the submissions does not count toward it. Last evaluated 2026-02-03.

Conditions:
CTNNA1-related disorder. Also called: CTNNA1-related condition.
Hereditary cancer-predisposing syndrome. Also called: Tumor predisposition; Hereditary neoplastic syndrome; Hereditary Cancer Syndrome; Neoplastic Syndromes, Hereditary. Identifiers: Orphanet 140162, MedGen C0027672, MeSH D009386, MONDO:0015356.

Allele frequency attached by ClinVar (database versions not stated): gnomAD exomes 0.00008 and 0.00024; 1000 Genomes Project 30x 0.00016; TOPMed 0.00017; ESP Exome Variant Server 0.00008; 1000 Genomes Project 0.00020; ExAC 0.00023; gnomAD 0.00026 and 0.00027.
gnomAD v4.1: 157 of 1,614,222 alleles (0.0097%); highest among the groups gnomAD compares: East Asian, 0.053%; no homozygotes.

Submissions (4):

Labcorp Genetics (formerly Invitae), Labcorp
Classification: Likely benign. Last evaluated: 2026-02-03. Review status: criteria provided, single submitter. Criteria: Invitae Variant Classification Sherloc (09022015). Collection method: clinical testing. Allele origin: germline.

Blueprint Genetics
Classification: Likely benign. Last evaluated: 2022-09-14. Review status: criteria provided, single submitter. Criteria: ACMG Guidelines, 2015. Collection method: clinical testing. Allele origin: germline.

Ambry Genetics
Classification: Benign for Hereditary cancer-predisposing syndrome. Last evaluated: 2021-11-23. Review status: criteria provided, single submitter. Criteria: Ambry Variant Classification Scheme 2023. Collection method: clinical testing. Allele origin: germline.

PreventionGenetics, part of Exact Sciences
Classification: Likely benign for CTNNA1-related condition. Last evaluated: 2022-04-28. Review status: no assertion criteria provided. Collection method: clinical testing. Allele origin: germline. Not counted in ClinVar's aggregate classification.
Comment: This variant is classified as likely benign based on ACMG/AMP sequence variant interpretation guidelines (Richards et al. 2015 PMID: 25741868, with internal and published modifications).

NM_001903.5(CTNNA1):c.922C>T (p.Arg308Cys)

Gene: CTNNA1 (catenin alpha 1; plus strand). Cytogenetic location: 5q31.2.
Variant type: single nucleotide variant.
Coding change: c.922C>T on transcript NM_001903.5 (MANE Select); coding-DNA position 922, C replaced by T.
Protein change: p.Arg308Cys; replaces arginine 308 with cysteine.
Molecular consequence: missense variant.
Genome position (GRCh38, 1-based): chr5:138,827,578, C>T. VCF-style: chr5-138827578-C-T. GRCh37 (hg19) VCF-style: chr5-138163267-C-T.
Other names: c.553C>T, p.Arg185Cys (NM_001290310.3); c.922C>T, p.Arg308Cys (NM_001323982.2, NM_001323983.1, NM_001323984.2 and 3 more transcripts); c.922C>T (NM_001903.4); c.613C>T, p.Arg205Cys (NM_001290309.3); short protein forms R185C, R205C, R308C.
Identifiers: ClinVar variation 695961 (VCV000695961.18), dbSNP rs202131041, ClinGen allele CA3431592.